The following is an entry in ClinVar:

ClinVar aggregate classification (germline): Uncertain significance (1 of 4 stars; one submission).

Conditions:
Specific granule deficiency. Identifiers: Orphanet 169142, MedGen C0398593, MONDO:0009506.

Submission:

Labcorp Genetics (formerly Invitae), Labcorp
Classification: Uncertain significance for Specific granule deficiency. Last evaluated: 2021-12-08. Review status: criteria provided, single submitter. Criteria: Invitae Variant Classification Sherloc (09022015). Collection method: clinical testing. Allele origin: germline.
Comment: In summary, the available evidence is currently insufficient to determine the role of this variant in disease. Therefore, it has been classified as a Variant of Uncertain Significance. Algorithms developed to predict the effect of missense changes on protein structure and function (SIFT, PolyPhen-2, Align-GVGD) all suggest that this variant is likely to be disruptive. This variant has not been reported in the literature in individuals affected with CEBPE-related conditions. This variant is not present in population databases (gnomAD no frequency). This sequence change replaces arginine, which is basic and polar, with cysteine, which is neutral and slightly polar, at codon 213 of the CEBPE protein (p.Arg213Cys).

NM_001805.4(CEBPE):c.637C>T (p.Arg213Cys)

Gene: CEBPE (CCAAT enhancer binding protein epsilon; minus strand). Cytogenetic location: 14q11.2.
Variant type: single nucleotide variant.
Coding change: c.637C>T on transcript NM_001805.4 (MANE Select); coding-DNA position 637, C replaced by T.
Protein change: p.Arg213Cys; replaces arginine 213 with cysteine.
Molecular consequence: missense variant.
Genome position (GRCh38, 1-based): chr14:23,117,696, G>A on the plus strand (C>T on the coding strand, the complement: CEBPE is on the minus strand). VCF-style: chr14-23117696-G-A. GRCh37 (hg19) VCF-style: chr14-23586905-G-A.
Other names: short protein forms R213C.
Identifiers: ClinVar variation 1506616 (VCV001506616.6), dbSNP rs2140291181, ClinGen allele CA388952044.